The following is an entry in ClinVar:

NM_005751.5(AKAP9):c.5705G>A (p.Arg1902His)

Gene: AKAP9 (A-kinase anchoring protein 9; plus strand). Cytogenetic location: 7q21.2.
Variant type: single nucleotide variant.
Coding change: c.5705G>A on transcript NM_005751.5 (MANE Select); coding-DNA position 5705, G replaced by A.
Protein change: p.Arg1902His; replaces arginine 1902 with histidine.
Molecular consequence: missense variant.
Genome position (GRCh38, 1-based): chr7:92,061,363, G>A. VCF-style: chr7-92061363-G-A. GRCh37 (hg19) VCF-style: chr7-91690677-G-A.
Other names: c.350G>A, p.Arg117His (NM_001379277.1); c.5705G>A, p.Arg1902His (NM_147185.3); short protein forms R1902H, R117H.
Identifiers: ClinVar variation 518797 (VCV000518797.13), dbSNP rs369082700, ClinGen allele CA4336896.

ClinVar aggregate classification (germline): Conflicting classifications of pathogenicity. Review status: criteria provided, conflicting classifications (1 of 4 stars). 2 submissions from 2 submitters: Uncertain significance (1); Benign (1). Last evaluated 2025-12-14.

Conditions:
Cardiovascular phenotype. Identifiers: MedGen CN230736.
Long QT syndrome (LQTS). Identifiers: MedGen C0023976, MeSH D008133, MONDO:0002442. Disease mechanism: loss of function. Inheritance: Various modes of inheritance.

Allele frequency attached by ClinVar (database versions not stated): gnomAD 0.00006; gnomAD exomes 0.00008; ExAC 0.00011; TOPMed 0.00011; ESP Exome Variant Server 0.00015.
gnomAD v4.1: 130 of 1,612,788 alleles (0.0081%); highest among the groups gnomAD compares: Non-Finnish European, 0.01%; no homozygotes.

Submissions (2):

Labcorp Genetics (formerly Invitae), Labcorp
Classification: Uncertain significance for Long QT syndrome. Last evaluated: 2025-12-14. Review status: criteria provided, single submitter. Criteria: Invitae Variant Classification Sherloc (09022015). Collection method: clinical testing. Allele origin: germline.
Comment: This sequence change replaces arginine, which is basic and polar, with histidine, which is basic and polar, at codon 1902 of the AKAP9 protein (p.Arg1902His). The frequency data for this variant in the population databases is considered unreliable, as metrics indicate poor data quality at this position in the gnomAD database. This variant has not been reported in the literature in individuals affected with AKAP9-related conditions. ClinVar contains an entry for this variant (Variation ID: 518797). An algorithm developed to predict the effect of missense changes on protein structure and function (PolyPhen-2) suggests that this variant is likely to be disruptive. In summary, the available evidence is currently insufficient to determine the role of this variant in disease. Therefore, it has been classified as a Variant of Uncertain Significance.

Ambry Genetics
Classification: Benign for Cardiovascular phenotype. Last evaluated: 2024-01-24. Review status: criteria provided, single submitter. Criteria: Ambry Variant Classification Scheme 2023. Collection method: clinical testing. Allele origin: germline.